The following is an entry in ClinVar:

NM_182961.4(SYNE1):c.9524T>C (p.Met3175Thr)

Gene: SYNE1 (spectrin repeat containing nuclear envelope protein 1; minus strand). Cytogenetic location: 6q25.2.
Variant type: single nucleotide variant.
Coding change: c.9524T>C on transcript NM_182961.4 (MANE Select); coding-DNA position 9524, T replaced by C.
Protein change: p.Met3175Thr; replaces methionine 3175 with threonine.
Molecular consequence: missense variant.
Genome position (GRCh38, 1-based): chr6:152,369,598, A>G on the plus strand (T>C on the coding strand, the complement: SYNE1 is on the minus strand). VCF-style: chr6-152369598-A-G. GRCh37 (hg19) VCF-style: chr6-152690733-A-G.
Other names: c.9545T>C, p.Met3182Thr (NM_033071.5); short protein forms M3175T, M3182T.
Identifiers: ClinVar variation 2418546 (VCV002418546.6), dbSNP rs1239643434, ClinGen allele CA366138616.

ClinVar aggregate classification (germline): Uncertain significance (1 of 4 stars; one submission).

Conditions:
Autosomal recessive ataxia, Beauce type. Also called: Spinocerebellar ataxia, autosomal recessive 8; ATAXIA, RECESSIVE, OF BEAUCE; SYNE1-Related Autosomal Recessive Cerebellar Ataxia; SYNE1 Deficiency. Identifiers: Orphanet 88644, MedGen C1853116, MONDO:0012549, OMIM 610743.
Emery-Dreifuss muscular dystrophy 4, autosomal dominant (EDMD4). Also called: EMERY-DREIFUSS MUSCULAR DYSTROPHY 4 WITH VARIABLE FEATURES. Identifiers: Orphanet 261, MedGen C2751807, MONDO:0013071, OMIM 612998.

Allele frequency attached by ClinVar (database versions not stated): gnomAD exomes below 0.00001; TOPMed 0.00002.
gnomAD v4.1: 1 of 1,614,150 alleles (0.000062%); highest among the groups gnomAD compares: Non-Finnish European, 0.000085%; no homozygotes.

Submission:

Labcorp Genetics (formerly Invitae), Labcorp
Classification: Uncertain significance for Emery-Dreifuss muscular dystrophy 4, autosomal dominant; Autosomal recessive ataxia, Beauce type. Last evaluated: 2024-02-23. Review status: criteria provided, single submitter. Criteria: Invitae Variant Classification Sherloc (09022015). Collection method: clinical testing. Allele origin: germline.
Comment: This sequence change replaces methionine, which is neutral and non-polar, with threonine, which is neutral and polar, at codon 3182 of the SYNE1 protein (p.Met3182Thr). This variant is not present in population databases (gnomAD no frequency). This variant has not been reported in the literature in individuals affected with SYNE1-related conditions. ClinVar contains an entry for this variant (Variation ID: 2418546). An algorithm developed to predict the effect of missense changes on protein structure and function (PolyPhen-2) suggests that this variant is likely to be disruptive. In summary, the available evidence is currently insufficient to determine the role of this variant in disease. Therefore, it has been classified as a Variant of Uncertain Significance.